The following is an entry in ClinVar:

ClinVar aggregate classification (germline): Likely benign. Review status: criteria provided, single submitter (1 of 4 stars). 2 submissions from 1 submitter: Likely benign (2). Last evaluated 2018-01-12.

Conditions:
Dilated cardiomyopathy 1R (CMD1R). Identifiers: Orphanet 154, Orphanet 54260, MedGen C3150681, MONDO:0013261, OMIM 613424.
Hypertrophic cardiomyopathy 11. Also called: ACTC1-Related Familial Hypertrophic Cardiomyopathy. Identifiers: MedGen C2677506, MONDO:0012799, OMIM 612098.

Allele frequency attached by ClinVar (database versions not stated): 1000 Genomes Project 30x 0.01093; gnomAD 0.00766 and 0.00827; TOPMed 0.00852; 1000 Genomes Project 0.00938.

Submissions (2):

Illumina Laboratory Services, Illumina
Classification: Likely benign for Hypertrophic cardiomyopathy 11. Last evaluated: 2018-01-12. Review status: criteria provided, single submitter. Criteria: ICSL Variant Classification Criteria 13 December 2019. Collection method: clinical testing. Allele origin: germline.
Comment: This variant was observed in the ICSL laboratory as part of a predisposition screen in an ostensibly healthy population. It had not been previously curated by ICSL or reported in the Human Gene Mutation Database (HGMD: prior to June 1st, 2018), and was therefore a candidate for classification through an automated scoring system. Utilizing variant allele frequency, disease prevalence and penetrance estimates, and inheritance mode, an automated score was calculated to assess if this variant is too frequent to cause the disease. Based on the score and internal cut-off values, a variant classified as likely benign is not then subjected to further curation. The score for this variant resulted in a classification of likely benign for this disease.

Illumina Laboratory Services, Illumina
Classification: Likely benign for Dilated cardiomyopathy 1R. Last evaluated: 2018-01-12. Review status: criteria provided, single submitter. Criteria: ICSL Variant Classification Criteria 13 December 2019. Collection method: clinical testing. Allele origin: germline.
Comment: the same text as in the submission from Illumina Laboratory Services, Illumina above.

NM_005159.4(ACTC1):c.*856G>A

Genes: ACTC1 (actin alpha cardiac muscle 1; minus strand), GJD2-DT (GJD2 divergent transcript; plus strand). Cytogenetic location: 15q14.
Variant type: single nucleotide variant.
Coding change: c.*856G>A on transcript NM_005159.4; 856 bases downstream of the stop codon, G replaced by A.
Genome position (GRCh38, 1-based): chr15:34,789,556, C>T on the plus strand (G>A on the coding strand, the complement: ACTC1 is on the minus strand). VCF-style: chr15-34789556-C-T. GRCh37 (hg19) VCF-style: chr15-35081757-C-T.
Identifiers: ClinVar variation 886865 (VCV000886865.6), dbSNP rs79104010, ClinGen allele CA268659390.